The following is an entry in ClinVar:

NM_001457.4(FLNB):c.4981G>A (p.Glu1661Lys)

Gene: FLNB (filamin B; plus strand). Cytogenetic location: 3p14.3.
Variant type: single nucleotide variant.
Coding change: c.4981G>A on transcript NM_001457.4 (MANE Select); coding-DNA position 4981, G replaced by A.
Protein change: p.Glu1661Lys; replaces glutamic acid 1661 with lysine.
Molecular consequence: missense variant.
Genome position (GRCh38, 1-based): chr3:58,138,401, G>A. VCF-style: chr3-58138401-G-A. GRCh37 (hg19) VCF-style: chr3-58124128-G-A.
Other names: c.5074G>A, p.Glu1692Lys (NM_001164317.2); c.4981G>A, p.Glu1661Lys (NM_001164318.2, NM_001164319.2); short protein forms E1692K, E1661K.
Identifiers: ClinVar variation 900722 (VCV000900722.7), dbSNP rs753576403, ClinGen allele CA2468922.
Genomic context (GRCh38, chr3:58,138,401, plus strand): 5'-AAGACTGCCGGGAAGGGTAAAGTGACCTGCACGGTTCTGACCCCAGATGGCACTGAGGCC[G>A]AGGCCGATGTCATTGAGAATGAAGATGGAACCTATGACATCTTCTACACAGCTGCCAAGC-3'
Protein context (NP_001448.2, residues 1651-1671): TVLTPDGTEA[Glu1661Lys]ADVIENEDGT

ClinVar aggregate classification (germline): Uncertain significance. Review status: criteria provided, multiple submitters, no conflicts (2 of 4 stars). 2 submissions from 2 submitters: Uncertain significance (2). Last evaluated 2025-12-15.

Conditions:
FLNB-Related Spectrum Disorders.

Allele frequency attached by ClinVar (database versions not stated): TOPMed 0.00005; gnomAD exomes 0.00002; ExAC 0.00003; gnomAD 0.00004.
gnomAD v4.1: 39 of 1,614,116 alleles (0.0024%); highest among the groups gnomAD compares: Middle Eastern, 0.016%; no homozygotes.

Submissions (2):

Labcorp Genetics (formerly Invitae), Labcorp
Classification: Uncertain significance. Last evaluated: 2025-12-15. Review status: criteria provided, single submitter. Criteria: Invitae Variant Classification Sherloc (09022015). Collection method: clinical testing. Allele origin: germline.
Comment: This sequence change replaces glutamic acid, which is acidic and polar, with lysine, which is basic and polar, at codon 1661 of the FLNB protein (p.Glu1661Lys). This variant is present in population databases (rs753576403, gnomAD 0.005%). This variant has not been reported in the literature in individuals affected with FLNB-related conditions. ClinVar contains an entry for this variant (Variation ID: 900722). Invitae Evidence Modeling of protein sequence and biophysical properties (such as structural, functional, and spatial information, amino acid conservation, physicochemical variation, residue mobility, and thermodynamic stability) indicates that this missense variant is not expected to disrupt FLNB protein function with a negative predictive value of 95%. In summary, the available evidence is currently insufficient to determine the role of this variant in disease. Therefore, it has been classified as a Variant of Uncertain Significance.

Illumina Laboratory Services, Illumina
Classification: Uncertain significance for FLNB-Related Spectrum Disorders. Last evaluated: 2018-01-13. Review status: criteria provided, single submitter. Criteria: ICSL Variant Classification Criteria 13 December 2019. Collection method: clinical testing. Allele origin: germline.